The following is an entry in ClinVar:

ClinVar aggregate classification (germline): Uncertain significance (1 of 4 stars; one submission).

Conditions:
BRSK2-related disorder. Also called: BRSK2-related condition; BRSK2-Related Disorders.

Allele frequency attached by ClinVar (database versions not stated): gnomAD exomes below 0.00001; gnomAD 0.00003; TOPMed 0.00008.
gnomAD v4.1: 29 of 1,468,114 alleles (0.002%); highest among the groups gnomAD compares: Admixed American, 0.013%; 1 homozygote.

Submission:

PreventionGenetics, part of Exact Sciences
Classification: Uncertain significance for BRSK2-related condition. Last evaluated: 2023-03-14. Review status: criteria provided, single submitter. Criteria: ACMG Guidelines, 2015. Collection method: clinical testing. Allele origin: germline.
Comment: The BRSK2 c.19C>T variant is predicted to result in the amino acid substitution p.Pro7Ser. To our knowledge, this variant has not been reported in the literature. This variant is reported in 0.012% of alleles in individuals of Latino descent in gnomAD. At this time, the clinical significance of this variant is uncertain due to the absence of conclusive functional and genetic evidence.

NM_001256627.2(BRSK2):c.91+21048C>T

Gene: BRSK2 (BR serine/threonine kinase 2; plus strand). Cytogenetic location: 11p15.5.
Variant type: single nucleotide variant.
Coding change: c.91+21048C>T on transcript NM_001256627.2 (MANE Select); 21048 bases into the intron after coding-DNA position 91, C replaced by T.
Molecular consequence: intron variant. On other transcripts: missense variant (1).
Genome position (GRCh38, 1-based): chr11:1,411,423, C>T. VCF-style: chr11-1411423-C-T. GRCh37 (hg19) VCF-style: chr11-1432653-C-T.
Other names: c.19C>T, p.Pro7Ser (NM_001256630.1); c.91+21048C>T (NM_001256629.2, NM_003957.4); c.-90+517C>T (NM_001282218.2); short protein forms P7S.
Identifiers: ClinVar variation 2635699 (VCV002635699.1), dbSNP rs954977466, ClinGen allele CA217032534.